The following is an entry in ClinVar:

ClinVar aggregate classification (germline): Likely benign. Review status: criteria provided, multiple submitters, no conflicts (2 of 4 stars). 4 submissions from 4 submitters: Likely benign (4). Last evaluated 2025-08-11.

Conditions:
Inborn genetic diseases. Identifiers: MedGen C0950123, MeSH D030342.
Drash syndrome (DDS). Also called: NEPHROPATHY, WILMS TUMOR, AND GENITAL ANOMALIES; WILMS TUMOR AND PSEUDO- OR TRUE HERMAPHRODITISM. Identifiers: Orphanet 220, MedGen C0950121, MONDO:0008682, OMIM 194080.
Frasier syndrome. Identifiers: Orphanet 347, MedGen C0950122, MeSH D052159, MONDO:0007635, OMIM 136680.
Wilms tumor 1 (WT1). Also called: Wilms tumor, somatic. Identifiers: Orphanet 654, MedGen CN033288, MONDO:0008679, OMIM 194070.
11p partial monosomy syndrome (WAGR). Also called: CHROMOSOME 11p13 DELETION SYNDROME; WAGR Spectrum Disorder; WAGR syndrome; WAGR Complex. Identifiers: Orphanet 893, MedGen C0206115, MONDO:0008681, OMIM 194072.

Allele frequency attached by ClinVar (database versions not stated): gnomAD exomes below 0.00001 and 0.00001; gnomAD 0.00001.
gnomAD v4.1: 5 of 1,612,390 alleles (0.00031%); highest among the groups gnomAD compares: Admixed American, 0.005%; no homozygotes.

Submissions (4):

Labcorp Genetics (formerly Invitae), Labcorp
Classification: Likely benign for Wilms tumor 1; Drash syndrome; 11p partial monosomy syndrome; Frasier syndrome. Last evaluated: 2025-08-11. Review status: criteria provided, single submitter. Criteria: Invitae Variant Classification Sherloc (09022015). Collection method: clinical testing. Allele origin: germline.

CeGaT Center for Human Genetics Tuebingen
Classification: Likely benign. Last evaluated: 2025-08-01. Review status: criteria provided, single submitter. Criteria: CeGaT Center For Human Genetics Tuebingen Variant Classification Criteria Version 2. Collection method: clinical testing. Allele origin: germline. Affected: yes. Observed: 1 variant allele.
Comment: WT1: BP4, BP7

Ambry Genetics
Classification: Likely benign for Inborn genetic diseases. Last evaluated: 2024-11-28. Review status: criteria provided, single submitter. Criteria: Ambry Variant Classification Scheme 2023. Collection method: clinical testing. Allele origin: germline.

All of Us Research Program, National Institutes of Health
Classification: Likely benign for Wilms tumor 1. Last evaluated: 2022-12-02. Review status: criteria provided, single submitter. Criteria: ACMG Guidelines, 2015. Collection method: clinical testing. Allele origin: germline. Inheritance: Autosomal dominant inheritance. Observed: 1 variant allele, 1 heterozygote.
Comment: This study involves interpretation of variants in research participants for the purpose of population health screening. Participant phenotype was not available at the time of variant classification. Additional details can be found in publication PMID: 35346344, PMCID: PMC8962531

NM_024426.6(WT1):c.549G>A (p.Gly183=)

Genes: WT1 (WT1 transcription factor; minus strand), LOC107982234 (WT1/WT1-AS bi-directional promoter region; plus strand). Cytogenetic location: 11p13.
Variant type: single nucleotide variant.
Coding change: c.549G>A on transcript NM_024426.6 (MANE Select); coding-DNA position 549, G replaced by A.
Protein change: p.Gly183=; no amino-acid change (glycine 183 retained).
Molecular consequence: synonymous variant. On other transcripts: non-coding transcript variant (1).
Genome position (GRCh38, 1-based): chr11:32,434,812, C>T on the plus strand (G>A on the coding strand, the complement: WT1 is on the minus strand). VCF-style: chr11-32434812-C-T. GRCh37 (hg19) VCF-style: chr11-32456358-C-T.
Other names: c.534G>A (NM_024426.4); c.549G>A, p.Gly183= (NM_000378.6, NM_024424.5).
Identifiers: ClinVar variation 1133055 (VCV001133055.19), dbSNP rs1199167878, ClinGen allele CA473571416.